The following is an entry in ClinVar:

NM_005732.4(RAD50):c.3002T>A (p.Met1001Lys)

Gene: RAD50 (RAD50 double strand break repair protein; plus strand). Cytogenetic location: 5q31.1.
Variant type: single nucleotide variant.
Coding change: c.3002T>A on transcript NM_005732.4 (MANE Select); coding-DNA position 3002, T replaced by A.
Protein change: p.Met1001Lys; replaces methionine 1001 with lysine.
Molecular consequence: missense variant.
Genome position (GRCh38, 1-based): chr5:132,609,362, T>A. VCF-style: chr5-132609362-T-A. GRCh37 (hg19) VCF-style: chr5-131945054-T-A.
Other names: short protein forms M1001K.
Identifiers: ClinVar variation 1450158 (VCV001450158.8), dbSNP rs1476162742, ClinGen allele CA360960848.
Genomic context (GRCh38, chr5:132,609,362, plus strand): 5'-ATAAAGTAATAGCTCAACTAAGTGAATGCGAGAAACACAAAGAAAAGATAAATGAAGATA[T>A]GAGACTCATGAGACAAGATATTGATACACAGAAGGTAGGTCTGTTTTGCTTATGATATCA-3'
Protein context (NP_005723.2, residues 991-1011): EKHKEKINED[Met1001Lys]RLMRQDIDTQ

ClinVar aggregate classification (germline): Uncertain significance. Review status: criteria provided, multiple submitters, no conflicts (2 of 4 stars). 2 submissions from 2 submitters: Uncertain significance (2). Last evaluated 2022-08-11.

Conditions:
Hereditary cancer-predisposing syndrome. Also called: Hereditary Cancer Syndrome; Hereditary neoplastic syndrome; Neoplastic Syndromes, Hereditary; Tumor predisposition. Identifiers: Orphanet 140162, MedGen C0027672, MeSH D009386, MONDO:0015356.

Allele frequency attached by ClinVar (database versions not stated): gnomAD exomes below 0.00001; TOPMed below 0.00001.

Submissions (2):

Ambry Genetics
Classification: Uncertain significance for Hereditary cancer-predisposing syndrome. Last evaluated: 2022-08-11. Review status: criteria provided, single submitter. Criteria: Ambry Variant Classification Scheme 2023. Collection method: clinical testing. Allele origin: germline.
Comment: The p.M1001K variant (also known as c.3002T>A), located in coding exon 19 of the RAD50 gene, results from a T to A substitution at nucleotide position 3002. The methionine at codon 1001 is replaced by lysine, an amino acid with similar properties. This amino acid position is conserved. In addition, the in silico prediction for this alteration is inconclusive. Since supporting evidence is limited at this time, the clinical significance of this alteration remains unclear.

Labcorp Genetics (formerly Invitae), Labcorp
Classification: Uncertain significance for Hereditary cancer-predisposing syndrome. Last evaluated: 2021-10-27. Review status: criteria provided, single submitter. Criteria: Invitae Variant Classification Sherloc (09022015). Collection method: clinical testing. Allele origin: germline.
Comment: This sequence change replaces methionine, a(n) neutral and non-polar amino acid, with lysine, a(n) basic and polar amino acid, at codon 1001 of the RAD50 protein (p.Met1001Lys). This variant is present in population databases (no rsID available, gnomAD 0.0009%). This variant has not been reported in the literature in individuals affected with RAD50-related conditions. Algorithms developed to predict the effect of missense changes on protein structure and function are either unavailable or do not agree on the potential impact of this missense change (SIFT: "Deleterious"; PolyPhen-2: "Benign"; Align-GVGD: "Class C0"). In summary, the available evidence is currently insufficient to determine the role of this variant in disease. Therefore, it has been classified as a Variant of Uncertain Significance.